The following is an entry in ClinVar:

ClinVar aggregate classification (germline): Uncertain significance. Review status: criteria provided, multiple submitters, no conflicts (2 of 4 stars). 2 submissions from 2 submitters: Uncertain significance (2). Last evaluated 2024-09-20.

Conditions:
Inborn genetic diseases. Identifiers: MedGen C0950123, MeSH D030342.

Allele frequency attached by ClinVar (database versions not stated): gnomAD exomes below 0.00001.

Submissions (2):

Ambry Genetics
Classification: Uncertain significance for Inborn genetic diseases. Last evaluated: 2024-09-20. Review status: criteria provided, single submitter. Criteria: Ambry Variant Classification Scheme 2023. Collection method: clinical testing. Allele origin: germline.

Labcorp Genetics (formerly Invitae), Labcorp
Classification: Uncertain significance. Last evaluated: 2022-09-01. Review status: criteria provided, single submitter. Criteria: Invitae Variant Classification Sherloc (09022015). Collection method: clinical testing. Allele origin: germline.
Comment: ClinVar contains an entry for this variant (Variation ID: 1519930). In summary, the available evidence is currently insufficient to determine the role of this variant in disease. Therefore, it has been classified as a Variant of Uncertain Significance. Algorithms developed to predict the effect of missense changes on protein structure and function (SIFT, PolyPhen-2, Align-GVGD) all suggest that this variant is likely to be tolerated. This variant has not been reported in the literature in individuals affected with GPR179-related conditions. This variant is not present in population databases (gnomAD no frequency). This sequence change replaces asparagine, which is neutral and polar, with lysine, which is basic and polar, at codon 408 of the GPR179 protein (p.Asn408Lys).

NM_001004334.4(GPR179):c.1224C>A (p.Asn408Lys)

Gene: GPR179 (G protein-coupled receptor 179; minus strand). Cytogenetic location: 17q12.
Variant type: single nucleotide variant.
Coding change: c.1224C>A on transcript NM_001004334.4 (MANE Select); coding-DNA position 1224, C replaced by A.
Protein change: p.Asn408Lys; replaces asparagine 408 with lysine.
Molecular consequence: missense variant.
Genome position (GRCh38, 1-based): chr17:38,336,981, G>T on the plus strand (C>A on the coding strand, the complement: GPR179 is on the minus strand). VCF-style: chr17-38336981-G-T. GRCh37 (hg19) VCF-style: chr17-36492864-G-T.
Other names: c.1224C>A (NM_001004334.2); short protein forms N408K.
Identifiers: ClinVar variation 1519930 (VCV001519930.9), dbSNP rs2144272580, ClinGen allele CA398887529.